The following is an entry in ClinVar:

ClinVar aggregate classification (germline): Benign. Review status: criteria provided, multiple submitters, no conflicts (2 of 4 stars). 2 submissions from 2 submitters: Benign (2). Last evaluated 2018-06-18.

Allele frequency attached by ClinVar (database versions not stated): gnomAD 0.01903 and 0.02035; TOPMed 0.01930; 1000 Genomes Project 0.02157; 1000 Genomes Project 30x 0.02264.
gnomAD v4.1: 2,865 of 152,046 alleles (1.9%); highest among the groups gnomAD compares: African/African-American, 6.5%; 103 homozygotes.

Submissions (2):

GeneDx
Classification: Benign. Last evaluated: 2018-06-18. Review status: criteria provided, single submitter. Criteria: GeneDx Variant Classification (06012015). Collection method: clinical testing. Allele origin: germline. Affected: yes.
Comment: This variant is considered likely benign or benign based on one or more of the following criteria: it is a conservative change, it occurs at a poorly conserved position in the protein, it is predicted to be benign by multiple in silico algorithms, and/or has population frequency not consistent with disease.

Breakthrough Genomics
Classification: Benign. Review status: criteria provided, single submitter. Criteria: ACMG Guidelines, 2015. Collection method: not provided. Allele origin: germline. Inheritance: Autosomal dominant inheritance. Affected: yes.

NM_001042492.3(NF1):c.2001+198G>A

Gene: NF1 (neurofibromin 1; plus strand). Cytogenetic location: 17q11.2.
Variant type: single nucleotide variant.
Coding change: c.2001+198G>A on transcript NM_001042492.3 (MANE Select); 198 bases into the intron after coding-DNA position 2001, G replaced by A.
Molecular consequence: intron variant.
Genome position (GRCh38, 1-based): chr17:31,225,448, G>A. VCF-style: chr17-31225448-G-A. GRCh37 (hg19) VCF-style: chr17-29552466-G-A.
Other names: c.2001+198G>A (NM_000267.4).
Identifiers: ClinVar variation 561489 (VCV000561489.2), dbSNP rs17880276, ClinGen allele CA289362176.